The following is an entry in ClinVar:

NM_001273.5(CHD4):c.2769G>C (p.Arg923Ser)

Gene: CHD4 (chromodomain helicase DNA binding protein 4; minus strand). Cytogenetic location: 12p13.31.
Variant type: single nucleotide variant.
Coding change: c.2769G>C on transcript NM_001273.5 (MANE Select); coding-DNA position 2769, G replaced by C.
Protein change: p.Arg923Ser; replaces arginine 923 with serine.
Molecular consequence: missense variant.
Genome position (GRCh38, 1-based): chr12:6,592,701, C>G on the plus strand (G>C on the coding strand, the complement: CHD4 is on the minus strand). VCF-style: chr12-6592701-C-G. GRCh37 (hg19) VCF-style: chr12-6701867-C-G.
Other names: c.2748G>C, p.Arg916Ser (NM_001297553.2); c.2730G>C, p.Arg910Ser (NM_001363606.2); short protein forms R923S, R910S, R916S.
Identifiers: ClinVar variation 422405 (VCV000422405.2), dbSNP rs1064795757, ClinGen allele CA16619583.

ClinVar aggregate classification (germline): Likely pathogenic (1 of 4 stars; one submission).

Submission:

GeneDx
Classification: Likely pathogenic. Last evaluated: 2016-10-12. Review status: criteria provided, single submitter. Criteria: GeneDx Variant Classification (06012015). Collection method: clinical testing. Allele origin: germline. Affected: yes.
Comment: The R923S variant in the CHD4 gene has not been reported previously as a pathogenic variant, nor as a benign variant, to our knowledge. The R923S variant was not observed in approximately 6500 individuals of European and African American ancestry in the NHLBI Exome Sequencing Project, indicating it is not a common benign variant in these populations. The R923S variant is a semi-conservative amino acid substitution, which may impact secondary protein structure as these residues differ in some properties. This substitution occurs at a position that is conserved across species. In silico analysis predicts this variant is probably damaging to the protein structure/function. The R923S variant is a strong candidate for a pathogenic variant. We interpret R923S as a likely pathogenic variant